The following is an entry in ClinVar:

NM_138694.4(PKHD1):c.2177dup (p.Asn727fs)

Gene: PKHD1 (PKHD1 ciliary IPT domain containing fibrocystin/polyductin; minus strand). Cytogenetic location: 6p12.2.
Variant type: Duplication.
Coding change: c.2177dup on transcript NM_138694.4 (MANE Select); coding-DNA position 2177, one base duplicated (G; older notation c.2177dupG).
Protein change: p.Asn727fs; shifts the reading frame from asparagine 727.
Molecular consequence: frameshift variant.
Genome position (GRCh38, 1-based): chr6:52,050,259, C duplicated on the plus strand (G on the coding strand, the reverse complement: PKHD1 is on the minus strand); the first of 5 consecutive C bases (chr6:52,050,259-52,050,263); duplicating any one gives the same sequence. VCF-style (leftmost placement, unchanged base first): chr6-52050258-G-GC. GRCh37 (hg19) VCF-style: chr6-51915056-G-GC.
Other names: c.2177dup, p.Asn727fs (NM_170724.3); short protein forms N727fs.
Identifiers: ClinVar variation 1459399 (VCV001459399.7), dbSNP rs2128196889, ClinGen allele CA2573140960.

ClinVar aggregate classification (germline): Pathogenic/Likely pathogenic. Review status: criteria provided, multiple submitters, no conflicts (2 of 4 stars). 2 submissions from 2 submitters: Pathogenic (1); Likely pathogenic (1). Last evaluated 2023-10-26.

Conditions:
Polycystic kidney disease 4 (PKD4). Also called: POLYCYSTIC KIDNEY DISEASE 4 WITH OR WITHOUT POLYCYSTIC LIVER DISEASE; POLYCYSTIC KIDNEY AND HEPATIC DISEASE 1; POLYCYSTIC KIDNEY DISEASE, INFANTILE, TYPE I; PKD3; Autosomal Recessive Polycystic Kidney Disease – PKHD1. Identifiers: MedGen C4540575, MONDO:0033004, OMIM 263200.
Autosomal recessive polycystic kidney disease (ARPKD). Also called: AR polycystic kidney disease. Identifiers: Orphanet 731, Orphanet 8378, MedGen C0085548, MeSH D017044, MONDO:0009889.

Submissions (2):

Baylor Genetics
Classification: Likely pathogenic for Polycystic kidney disease 4. Last evaluated: 2023-10-26. Review status: criteria provided, single submitter. Criteria: ACMG Guidelines, 2015. Collection method: clinical testing. Allele origin: unknown.

Labcorp Genetics (formerly Invitae), Labcorp
Classification: Pathogenic for Autosomal recessive polycystic kidney disease. Last evaluated: 2022-05-27. Review status: criteria provided, single submitter. Criteria: Invitae Variant Classification Sherloc (09022015). Collection method: clinical testing. Allele origin: germline.
Comment: For these reasons, this variant has been classified as Pathogenic. This variant has not been reported in the literature in individuals affected with PKHD1-related conditions. This variant is not present in population databases (gnomAD no frequency). This sequence change creates a premature translational stop signal (p.Asn727Glnfs*39) in the PKHD1 gene. It is expected to result in an absent or disrupted protein product. Loss-of-function variants in PKHD1 are known to be pathogenic (PMID: 19940839).

Literature cited by the submitters: PubMed 19940839 (cited by Labcorp Genetics (formerly Invitae), Labcorp).